The following is an entry in ClinVar:

NM_003982.4(SLC7A7):c.29C>T (p.Ala10Val)

Genes: SLC7A7 (solute carrier family 7 member 7; minus strand), LOC130055324 (ATAC-STARR-seq lymphoblastoid silent region 5590; plus strand). Cytogenetic location: 14q11.2.
Variant type: single nucleotide variant.
Coding change: c.29C>T on transcript NM_003982.4 (MANE Select); coding-DNA position 29, C replaced by T.
Protein change: p.Ala10Val; replaces alanine 10 with valine.
Molecular consequence: missense variant.
Genome position (GRCh38, 1-based): chr14:22,813,370, G>A on the plus strand (C>T on the coding strand, the complement: SLC7A7 is on the minus strand). VCF-style: chr14-22813370-G-A. GRCh37 (hg19) VCF-style: chr14-23282579-G-A.
Other names: c.29C>T, p.Ala10Val (NM_001126105.3, NM_001126106.4); short protein forms A10V.
Identifiers: ClinVar variation 2191935 (VCV002191935.1), dbSNP rs774584016, ClinGen allele CA7104773.

ClinVar aggregate classification (germline): Uncertain significance (1 of 4 stars; one submission).

Conditions:
Lysinuric protein intolerance (LPI). Identifiers: Orphanet 470, MedGen C0268647, MONDO:0009109, OMIM 222700.

Allele frequency attached by ClinVar (database versions not stated): gnomAD exomes 0.00001; ExAC 0.00002; gnomAD 0.00005; TOPMed 0.00005.
gnomAD v4.1: 10 of 1,613,128 alleles (0.00062%); highest among the groups gnomAD compares: African/African-American, 0.011%; no homozygotes.

Submission:

Labcorp Genetics (formerly Invitae), Labcorp
Classification: Uncertain significance for Lysinuric protein intolerance. Last evaluated: 2022-04-15. Review status: criteria provided, single submitter. Criteria: Invitae Variant Classification Sherloc (09022015). Collection method: clinical testing. Allele origin: germline.
Comment: This sequence change replaces alanine, which is neutral and non-polar, with valine, which is neutral and non-polar, at codon 10 of the SLC7A7 protein (p.Ala10Val). This variant is present in population databases (rs774584016, gnomAD 0.02%). This variant has not been reported in the literature in individuals affected with SLC7A7-related conditions. Algorithms developed to predict the effect of missense changes on protein structure and function (SIFT, PolyPhen-2, Align-GVGD) all suggest that this variant is likely to be tolerated. In summary, the available evidence is currently insufficient to determine the role of this variant in disease. Therefore, it has been classified as a Variant of Uncertain Significance.